The following is an entry in ClinVar:

NM_174916.3(UBR1):c.1144A>G (p.Met382Val)

Gene: UBR1 (ubiquitin protein ligase E3 component n-recognin 1; minus strand). Cytogenetic location: 15q15.2.
Variant type: single nucleotide variant.
Coding change: c.1144A>G on transcript NM_174916.3 (MANE Select); coding-DNA position 1144, A replaced by G.
Protein change: p.Met382Val; replaces methionine 382 with valine.
Molecular consequence: missense variant.
Genome position (GRCh38, 1-based): chr15:43,058,379, T>C on the plus strand (A>G on the coding strand, the complement: UBR1 is on the minus strand). VCF-style: chr15-43058379-T-C. GRCh37 (hg19) VCF-style: chr15-43350577-T-C.
Other names: short protein forms M382V.
Identifiers: ClinVar variation 1369254 (VCV001369254.5), dbSNP rs1275090232, ClinGen allele CA392075982.

ClinVar aggregate classification (germline): Uncertain significance (1 of 4 stars; one submission).

Allele frequency attached by ClinVar (database versions not stated): gnomAD exomes below 0.00001; gnomAD 0.00002; TOPMed 0.00003.
gnomAD v4.1: 9 of 1,610,850 alleles (0.00056%); highest among the groups gnomAD compares: African/African-American, 0.0067%; no homozygotes.

Submission:

Labcorp Genetics (formerly Invitae), Labcorp
Classification: Uncertain significance. Last evaluated: 2021-08-14. Review status: criteria provided, single submitter. Criteria: Invitae Variant Classification Sherloc (09022015). Collection method: clinical testing. Allele origin: germline.
Comment: This sequence change replaces methionine with valine at codon 382 of the UBR1 protein (p.Met382Val). The methionine residue is highly conserved and there is a small physicochemical difference between methionine and valine. This variant is not present in population databases (ExAC no frequency). This variant has not been reported in the literature in individuals affected with UBR1-related conditions. Algorithms developed to predict the effect of missense changes on protein structure and function (SIFT, PolyPhen-2, Align-GVGD) all suggest that this variant is likely to be tolerated. In summary, the available evidence is currently insufficient to determine the role of this variant in disease. Therefore, it has been classified as a Variant of Uncertain Significance.